The following is an entry in ClinVar:

NM_182700.6(SP8):c.330G>A (p.Ser110=)

Gene: SP8 (Sp8 transcription factor; minus strand). Cytogenetic location: 7p21.1.
Variant type: single nucleotide variant.
Coding change: c.330G>A on transcript NM_182700.6 (MANE Select); coding-DNA position 330, G replaced by A.
Protein change: p.Ser110=; no amino-acid change (serine 110 retained).
Molecular consequence: synonymous variant.
Genome position (GRCh38, 1-based): chr7:20,785,487, C>T on the plus strand (G>A on the coding strand, the complement: SP8 is on the minus strand). VCF-style: chr7-20785487-C-T. GRCh37 (hg19) VCF-style: chr7-20825106-C-T.
Other names: c.276G>A, p.Ser92= (NM_198956.4).
Identifiers: ClinVar variation 4978016 (VCV004978016.1).

ClinVar aggregate classification (germline): Likely benign (1 of 4 stars; one submission).

Conditions:
SP8-related disorder. Also called: SP8-related condition.

gnomAD v4.1: 121 of 1,242,596 alleles (0.0097%); highest among the groups gnomAD compares: Middle Eastern, 0.068%; no homozygotes.

Submission:

PreventionGenetics, part of Exact Sciences
Classification: Likely benign for SP8-related condition. Last evaluated: 2025-12-17. Review status: criteria provided, single submitter. Criteria: ACMG Guidelines, 2015. Collection method: clinical testing. Allele origin: germline.
Comment: This variant is classified as likely benign based on ACMG/AMP sequence variant interpretation guidelines (Richards et al. 2015 PMID: 25741868, with internal and published modifications).